The following is an entry in ClinVar:

ClinVar aggregate classification (germline): Likely benign. Review status: criteria provided, multiple submitters, no conflicts (2 of 4 stars). 2 submissions from 2 submitters: Likely benign (2). Last evaluated 2026-07-01.

Conditions:
Combined immunodeficiency with skin granulomas. Identifiers: Orphanet 157949, MedGen C2673536, MONDO:0009306, OMIM 233650.
Severe combined immunodeficiency, autosomal recessive, T cell-negative, B cell-negative, NK cell-positive. Also called: SCID, T CELL-NEGATIVE, B CELL-NEGATIVE, NK CELL-POSITIVE; SCID, AR, T-cell negative, B-cell negative, NK cell-positive; Severe combined immunodeficiency due to complete RAG1/2 deficiency. Identifiers: Orphanet 331206, MedGen C1832322, MONDO:0011086, OMIM 601457.

Allele frequency attached by ClinVar (database versions not stated): gnomAD exomes below 0.00001.
gnomAD v4.1: 4 of 1,614,224 alleles (0.00025%); highest among the groups gnomAD compares: Non-Finnish European, 0.00025%; no homozygotes.

Submissions (2):

CeGaT Center for Human Genetics Tuebingen
Classification: Likely benign. Last evaluated: 2026-07-01. Review status: criteria provided, single submitter. Criteria: CeGaT Center For Human Genetics Tuebingen Variant Classification Criteria Version 2. Collection method: clinical testing. Allele origin: germline. Affected: yes. Observed: 1 variant allele.
Comment: RAG1: BP4, BP7

Labcorp Genetics (formerly Invitae), Labcorp
Classification: Likely benign for Combined immunodeficiency with skin granulomas; Severe combined immunodeficiency, autosomal recessive, T cell-negative, B cell-negative, NK cell-positive. Last evaluated: 2023-04-18. Review status: criteria provided, single submitter. Criteria: Invitae Variant Classification Sherloc (09022015). Collection method: clinical testing. Allele origin: germline.

NM_000448.3(RAG1):c.1209T>A (p.Thr403=)

Gene: RAG1 (recombination activating 1; plus strand). Cytogenetic location: 11p12.
Variant type: single nucleotide variant.
Coding change: c.1209T>A on transcript NM_000448.3 (MANE Select); coding-DNA position 1209, T replaced by A.
Protein change: p.Thr403=; no amino-acid change (threonine 403 retained).
Molecular consequence: synonymous variant.
Genome position (GRCh38, 1-based): chr11:36,574,513, T>A. VCF-style: chr11-36574513-T-A. GRCh37 (hg19) VCF-style: chr11-36596063-T-A.
Other names: c.1209T>A, p.Thr403= (NM_001377277.1, NM_001377278.1, NM_001377279.1 and 1 more transcripts).
Identifiers: ClinVar variation 2925898 (VCV002925898.4), dbSNP rs898092329, ClinGen allele CA220600877.